The following is an entry in ClinVar:

ClinVar aggregate classification (germline): Uncertain significance (1 of 4 stars; one submission).

Conditions:
RYR1-related disorder. Also called: RYR1-related condition; RYR1-related disorders. Identifiers: MedGen CN239331.

Submission:

Labcorp Genetics (formerly Invitae), Labcorp
Classification: Uncertain significance for RYR1-related disorder. Last evaluated: 2022-08-11. Review status: criteria provided, single submitter. Criteria: Invitae Variant Classification Sherloc (09022015). Collection method: clinical testing. Allele origin: germline.
Comment: A copy number gain of the genomic region encompassing the full coding sequence of the RYR1 gene has been identified. The boundaries of this event are unknown as they extend beyond the assayed region for this gene and therefore may encompass additional genes. As the precise location of this event is unknown, it may be in tandem or it may be located elsewhere in the genome. This variant has not been reported in the literature in individuals affected with RYR1-related conditions. In summary, the available evidence is currently insufficient to determine the role of this variant in disease. Therefore, it has been classified as a Variant of Uncertain Significance.

NC_000019.9:g.(?_38375572)_(39738787_?)dup

Genes: CATSPERG (catsper channel auxiliary subunit gamma; plus strand), ACTN4 (actinin alpha 4; plus strand), CAPN12 (calpain 12; minus strand), ECH1 (enoyl-CoA hydratase 1; minus strand), DPF1 (double PHD fingers 1; minus strand) and 31 more. Cytogenetic location: 19q13.13-13.2.
Variant type: Duplication.
Identifiers: ClinVar variation 2423269 (VCV002423269.4).